The following is an entry in ClinVar:

ClinVar aggregate classification (germline): Likely pathogenic (1 of 4 stars; one submission).

gnomAD v4.1: 14 of 1,613,046 alleles (0.00087%); highest among the groups gnomAD compares: Non-Finnish European, 0.0012%; no homozygotes.

Submission:

Labcorp Genetics (formerly Invitae), Labcorp
Classification: Likely pathogenic. Last evaluated: 2024-08-27. Review status: criteria provided, single submitter. Criteria: Invitae Variant Classification Sherloc (09022015). Collection method: clinical testing. Allele origin: germline.
Comment: This sequence change affects a donor splice site in intron 2 of the ANO6 gene. It is expected to disrupt RNA splicing. Variants that disrupt the donor or acceptor splice site typically lead to a loss of protein function (PMID: 16199547), and loss-of-function variants in ANO6 are known to be pathogenic (PMID: 21107324, 21511967, 27879994). This variant is present in population databases (no rsID available, gnomAD 0.002%). This variant has not been reported in the literature in individuals affected with ANO6-related conditions. Algorithms developed to predict the effect of sequence changes on RNA splicing suggest that this variant may disrupt the consensus splice site. In summary, the currently available evidence indicates that the variant is pathogenic, but additional data are needed to prove that conclusively. Therefore, this variant has been classified as Likely Pathogenic.

Literature cited by the submitters: PubMed 16199547; PubMed 21107324; PubMed 21511967; PubMed 27879994.

NM_001025356.3(ANO6):c.150+1G>C

Gene: ANO6 (anoctamin 6; plus strand). Cytogenetic location: 12q12.
Variant type: single nucleotide variant.
Coding change: c.150+1G>C on transcript NM_001025356.3 (MANE Select); the canonical splice donor site of the intron after coding-DNA position 150, G replaced by C.
Molecular consequence: splice donor variant.
Genome position (GRCh38, 1-based): chr12:45,302,094, G>C. VCF-style: chr12-45302094-G-C. GRCh37 (hg19) VCF-style: chr12-45695877-G-C.
Other names: c.150+1G>C (NM_001142679.2); c.213+1G>C (NM_001204803.2); c.117+1G>C (NM_001410973.1); c.96+1G>C (NM_001142678.2).
Identifiers: ClinVar variation 3694044 (VCV003694044.2).
Genomic context (GRCh38, chr12:45,302,094, plus strand): 5'-ACAATTGTCCCCGATTTGGGATCACTGGAAAGTCAGCATGATTTTCGAACCCCGGAGTTT[G>C]TGAGTACTATTCCTTTATCTTAAATTTGTATTCTTAAGCTAAGAGATTTTTCACAAAATG-3'